The following is an entry in ClinVar:

ClinVar aggregate classification (germline): Uncertain significance (1 of 4 stars; one submission).

Conditions:
Dilated cardiomyopathy 2B. Identifiers: Orphanet 154, MedGen C3553409, MONDO:0013848, OMIM 614672.

Submission:

Labcorp Genetics (formerly Invitae), Labcorp
Classification: Uncertain significance for Dilated cardiomyopathy 2B. Last evaluated: 2024-06-02. Review status: criteria provided, single submitter. Criteria: Invitae Variant Classification Sherloc (09022015). Collection method: clinical testing. Allele origin: germline.
Comment: This sequence change replaces threonine, which is neutral and polar, with isoleucine, which is neutral and non-polar, at codon 52 of the GATAD1 protein (p.Thr52Ile). This variant is not present in population databases (gnomAD no frequency). This variant has not been reported in the literature in individuals affected with GATAD1-related conditions. An algorithm developed to predict the effect of missense changes on protein structure and function (PolyPhen-2) suggests that this variant is likely to be tolerated. In summary, the available evidence is currently insufficient to determine the role of this variant in disease. Therefore, it has been classified as a Variant of Uncertain Significance.

NM_021167.5(GATAD1):c.155C>T (p.Thr52Ile)

Genes: GATAD1 (GATA zinc finger domain containing 1; plus strand), LOC129998793 (ATAC-STARR-seq lymphoblastoid silent region 18371; plus strand). Cytogenetic location: 7q21.2.
Variant type: single nucleotide variant.
Coding change: c.155C>T on transcript NM_021167.5 (MANE Select); coding-DNA position 155, C replaced by T.
Protein change: p.Thr52Ile; replaces threonine 52 with isoleucine.
Molecular consequence: missense variant. On other transcripts: non-coding transcript variant (1).
Genome position (GRCh38, 1-based): chr7:92,447,884, C>T. VCF-style: chr7-92447884-C-T. GRCh37 (hg19) VCF-style: chr7-92077198-C-T.
Other names: short protein forms T52I.
Identifiers: ClinVar variation 3705303 (VCV003705303.2).